The following is an entry in ClinVar:

NM_002617.4(PEX10):c.605G>C (p.Arg202Pro)

Gene: PEX10 (peroxisomal biogenesis factor 10; minus strand). Cytogenetic location: 1p36.32.
Variant type: single nucleotide variant.
Coding change: c.605G>C on transcript NM_002617.4 (MANE Select); coding-DNA position 605, G replaced by C.
Protein change: p.Arg202Pro; replaces arginine 202 with proline.
Molecular consequence: missense variant. On other transcripts: non-coding transcript variant (1).
Genome position (GRCh38, 1-based): chr1:2,406,891, C>G on the plus strand (G>C on the coding strand, the complement: PEX10 is on the minus strand). VCF-style: chr1-2406891-C-G. GRCh37 (hg19) VCF-style: chr1-2338330-C-G.
Other names: c.662G>C, p.Arg221Pro (NM_001374425.1); c.230G>C, p.Arg77Pro (NM_001374426.1); c.173G>C, p.Arg58Pro (NM_001374427.1); c.665G>C, p.Arg222Pro (NM_153818.2); short protein forms R202P, R221P, R222P, R58P, R77P.
Identifiers: ClinVar variation 2007338 (VCV002007338.4), dbSNP rs371979619, ClinGen allele CA337985774.
Genomic context (GRCh38, chr1:2,406,891, plus strand): 5'-ACCCCCAGCAGCCTGTAGCTAACACGGGCCCTCAGGTCCTCTCCGGGCAGGCTGCGGACA[C>G]GGAGCTGTAAGGCAGATGGCGCCACACTCATCAGGACCCTGAGGGGATCTGGCCTCAGCG-3'
Protein context (NP_002608.1, residues 192-212): AKRLTGITYL[Arg202Pro]VRSLPGEDLR

ClinVar aggregate classification (germline): Uncertain significance (1 of 4 stars; one submission).

Conditions:
Peroxisome biogenesis disorder, complementation group 7 (CG7). Also called: Peroxisome biogenesis disorder, complementation group B. Identifiers: MedGen C1864399.

Submission:

Labcorp Genetics (formerly Invitae), Labcorp
Classification: Uncertain significance for Peroxisome biogenesis disorder, complementation group 7. Last evaluated: 2023-05-23. Review status: criteria provided, single submitter. Criteria: Invitae Variant Classification Sherloc (09022015). Collection method: clinical testing. Allele origin: germline.
Comment: In summary, the available evidence is currently insufficient to determine the role of this variant in disease. Therefore, it has been classified as a Variant of Uncertain Significance. An algorithm developed to predict the effect of missense changes on protein structure and function (PolyPhen-2) suggests that this variant is likely to be tolerated. ClinVar contains an entry for this variant (Variation ID: 2007338). This variant has not been reported in the literature in individuals affected with PEX10-related conditions. This variant is not present in population databases (gnomAD no frequency). This sequence change replaces arginine, which is basic and polar, with proline, which is neutral and non-polar, at codon 222 of the PEX10 protein (p.Arg222Pro).